The following is an entry in ClinVar:

NM_003002.4(SDHD):c.194A>G (p.His65Arg)

Gene: SDHD (succinate dehydrogenase complex subunit D; plus strand). Cytogenetic location: 11q23.1.
Variant type: single nucleotide variant.
Coding change: c.194A>G on transcript NM_003002.4 (MANE Select); coding-DNA position 194, A replaced by G.
Protein change: p.His65Arg; replaces histidine 65 with arginine.
Molecular consequence: missense variant. On other transcripts: non-coding transcript variant (1), intron variant (1).
Genome position (GRCh38, 1-based): chr11:112,088,891, A>G. VCF-style: chr11-112088891-A-G. GRCh37 (hg19) VCF-style: chr11-111959615-A-G.
Other names: c.77A>G, p.His26Arg (NM_001276504.2); c.194A>G, p.His65Arg (NM_001276506.2); c.169+918A>G (NM_001276503.2); short protein forms H65R, H26R.
Identifiers: ClinVar variation 465224 (VCV000465224.13), dbSNP rs780226013, ClinGen allele CA070827.
Genomic context (GRCh38, chr11:112,088,891, plus strand): 5'-TCACATCAACTTTTATGAATCTGGTCCTTTTTGTAGCTGGCTCCAAGGCTGCATCTCTCC[A>G]CTGGACTAGCGAGAGGGTTGTCAGTGTTTTGCTCCTGGGTCTGCTTCCGGCTGCTTATTT-3'
Protein context (NP_002993.1, residues 55-75): HHSGSKAASL[His65Arg]WTSERVVSVL

ClinVar aggregate classification (germline): Uncertain significance. Review status: criteria provided, multiple submitters, no conflicts (2 of 4 stars). 3 submissions from 3 submitters: Uncertain significance (3). Last evaluated 2026-05-05.

Conditions:
Pheochromocytoma. Also called: MAX-Related Hereditary Paraganglioma-Pheochromocytoma Syndrome. Identifiers: Orphanet 29072, MedGen C0031511, MONDO:0008233, OMIM 171300, HP:0002666.
Carney-Stratakis syndrome. Also called: PARAGANGLIOMA AND GASTROINTESTINAL STROMAL TUMOR. Identifiers: Orphanet 97286, MedGen C1847319, MONDO:0011740, OMIM 606864.
Cowden syndrome 3 (CWS3). Identifiers: Orphanet 201, MedGen CN166604, MONDO:0014045.
Paragangliomas with sensorineural hearing loss. Identifiers: MedGen C1868633.
Hereditary cancer-predisposing syndrome. Also called: Tumor predisposition; Hereditary neoplastic syndrome; Neoplastic Syndromes, Hereditary; Hereditary Cancer Syndrome. Identifiers: Orphanet 140162, MedGen C0027672, MeSH D009386, MONDO:0015356.

Allele frequency attached by ClinVar (database versions not stated): gnomAD exomes below 0.00001; ExAC 0.00001.

Submissions (3):

Ambry Genetics
Classification: Uncertain significance for Hereditary cancer-predisposing syndrome. Last evaluated: 2026-05-05. Review status: criteria provided, single submitter. Criteria: Ambry Variant Classification Scheme 2023. Collection method: clinical testing. Allele origin: germline.
Comment: The p.H65R variant (also known as c.194A>G), located in coding exon 3 of the SDHD gene, results from an A to G substitution at nucleotide position 194. The histidine at codon 65 is replaced by arginine, an amino acid with highly similar properties. This amino acid position is highly conserved in available vertebrate species. In addition, this alteration is predicted to be deleterious by in silico analysis. Based on the available evidence, the clinical significance of this variant remains unclear.

Labcorp Genetics (formerly Invitae), Labcorp
Classification: Uncertain significance for Carney-Stratakis syndrome; Paragangliomas with sensorineural hearing loss; Pheochromocytoma; Cowden syndrome 3. Last evaluated: 2025-12-22. Review status: criteria provided, single submitter. Criteria: Invitae Variant Classification Sherloc (09022015). Collection method: clinical testing. Allele origin: germline.
Comment: This sequence change replaces histidine, which is basic and polar, with arginine, which is basic and polar, at codon 65 of the SDHD protein (p.His65Arg). This variant is present in population databases (rs780226013, gnomAD 0.0009%). This variant has not been reported in the literature in individuals affected with SDHD-related conditions. ClinVar contains an entry for this variant (Variation ID: 465224). Invitae Evidence Modeling of protein sequence and biophysical properties (such as structural, functional, and spatial information, amino acid conservation, physicochemical variation, residue mobility, and thermodynamic stability) indicates that this missense variant is expected to disrupt SDHD protein function with a positive predictive value of 95%. In summary, the available evidence is currently insufficient to determine the role of this variant in disease. Therefore, it has been classified as a Variant of Uncertain Significance.

Quest Diagnostics Nichols Institute San Juan Capistrano
Classification: Uncertain significance. Last evaluated: 2019-09-16. Review status: criteria provided, single submitter. Criteria: Quest Diagnostics criteria. Collection method: clinical testing. Allele origin: unknown.